The following is an entry in ClinVar:

NM_033641.4(COL4A6):c.1802G>A (p.Gly601Glu)

Gene: COL4A6 (collagen type IV alpha 6 chain; minus strand). Cytogenetic location: Xq22.3.
Variant type: single nucleotide variant.
Coding change: c.1802G>A on transcript NM_033641.4 (MANE Select); coding-DNA position 1802, G replaced by A.
Protein change: p.Gly601Glu; replaces glycine 601 with glutamic acid.
Molecular consequence: missense variant.
Genome position (GRCh38, 1-based): chrX:108,187,245, C>T on the plus strand (G>A on the coding strand, the complement: COL4A6 is on the minus strand). VCF-style: chrX-108187245-C-T. GRCh37 (hg19) VCF-style: chrX-107430475-C-T.
Other names: c.1802G>A, p.Gly601Glu (NM_001287758.2, NM_001287759.2, NM_001287760.2); c.1805G>A, p.Gly602Glu (NM_001847.4); short protein forms G601E, G602E.
Identifiers: ClinVar variation 1714789 (VCV001714789.5), dbSNP rs2522035486, ClinGen allele CA413860175.

ClinVar aggregate classification (germline): Uncertain significance (1 of 4 stars; one submission).

gnomAD v4.1: 1 of 1,177,192 alleles (0.000085%); no homozygotes.

Submission:

Labcorp Genetics (formerly Invitae), Labcorp
Classification: Uncertain significance. Last evaluated: 2022-08-02. Review status: criteria provided, single submitter. Criteria: Invitae Variant Classification Sherloc (09022015). Collection method: clinical testing. Allele origin: germline.
Comment: Algorithms developed to predict the effect of missense changes on protein structure and function (SIFT, PolyPhen-2, Align-GVGD) all suggest that this variant is likely to be disruptive. In summary, the available evidence is currently insufficient to determine the role of this variant in disease. Therefore, it has been classified as a Variant of Uncertain Significance. This variant has not been reported in the literature in individuals affected with COL4A6-related conditions. This variant is not present in population databases (gnomAD no frequency). This sequence change replaces glycine, which is neutral and non-polar, with glutamic acid, which is acidic and polar, at codon 602 of the COL4A6 protein (p.Gly602Glu).